The following is an entry in ClinVar:

ClinVar aggregate classification (germline): Likely benign. Review status: criteria provided, multiple submitters, no conflicts (2 of 4 stars). 4 submissions from 4 submitters: Likely benign (3). 1 of the submissions does not count toward it. Last evaluated 2025-09-03.

Conditions:
XRCC2-related disorder. Also called: XRCC2-related condition.
Hereditary cancer-predisposing syndrome. Also called: Tumor predisposition; Hereditary neoplastic syndrome; Neoplastic Syndromes, Hereditary; Hereditary Cancer Syndrome. Identifiers: Orphanet 140162, MedGen C0027672, MeSH D009386, MONDO:0015356.

Allele frequency attached by ClinVar (database versions not stated): ExAC 0.00001; gnomAD exomes 0.00002 and 0.00003; TOPMed 0.00003; gnomAD 0.00004; ESP Exome Variant Server 0.00008.
gnomAD v4.1: 57 of 1,613,990 alleles (0.0035%); highest among the groups gnomAD compares: Non-Finnish European, 0.0041%; no homozygotes.

Submissions (4):

Labcorp Genetics (formerly Invitae), Labcorp
Classification: Likely benign. Last evaluated: 2025-09-03. Review status: criteria provided, single submitter. Criteria: Invitae Variant Classification Sherloc (09022015). Collection method: clinical testing. Allele origin: germline.

Ambry Genetics
Classification: Likely benign for Hereditary cancer-predisposing syndrome. Last evaluated: 2020-01-31. Review status: criteria provided, single submitter. Criteria: Ambry Variant Classification Scheme 2023. Collection method: clinical testing. Allele origin: germline.

GeneDx
Classification: Likely benign. Last evaluated: 2017-09-07. Review status: criteria provided, single submitter. Criteria: GeneDx Variant Classification (06012015). Collection method: clinical testing. Allele origin: germline. Affected: yes.
Comment: This variant is considered likely benign or benign based on one or more of the following criteria: it is a conservative change, it occurs at a poorly conserved position in the protein, it is predicted to be benign by multiple in silico algorithms, and/or has population frequency not consistent with disease.

PreventionGenetics, part of Exact Sciences
Classification: Likely benign for XRCC2-related condition. Last evaluated: 2022-05-21. Review status: no assertion criteria provided. Collection method: clinical testing. Allele origin: germline. Not counted in ClinVar's aggregate classification.
Comment: This variant is classified as likely benign based on ACMG/AMP sequence variant interpretation guidelines (Richards et al. 2015 PMID: 25741868, with internal and published modifications).

NM_005431.2(XRCC2):c.669C>T (p.Tyr223=)

Gene: XRCC2 (X-ray repair cross complementing 2; minus strand). Cytogenetic location: 7q36.1.
Variant type: single nucleotide variant.
Coding change: c.669C>T on transcript NM_005431.2 (MANE Select); coding-DNA position 669, C replaced by T.
Protein change: p.Tyr223=; no amino-acid change (tyrosine 223 retained).
Molecular consequence: synonymous variant.
Genome position (GRCh38, 1-based): chr7:152,648,816, G>A on the plus strand (C>T on the coding strand, the complement: XRCC2 is on the minus strand). VCF-style: chr7-152648816-G-A. GRCh37 (hg19) VCF-style: chr7-152345901-G-A.
Identifiers: ClinVar variation 380261 (VCV000380261.16), dbSNP rs374213093, ClinGen allele CA4582312.